The following is an entry in ClinVar:

NM_005629.4(SLC6A8):c.200G>A (p.Gly67Asp)

Gene: SLC6A8 (solute carrier family 6 member 8; plus strand). Cytogenetic location: Xq28.
Variant type: single nucleotide variant.
Coding change: c.200G>A on transcript NM_005629.4 (MANE Select); coding-DNA position 200, G replaced by A.
Protein change: p.Gly67Asp; replaces glycine 67 with aspartic acid.
Molecular consequence: missense variant.
Genome position (GRCh38, 1-based): chrX:153,688,774, G>A. VCF-style: chrX-153688774-G-A. GRCh37 (hg19) VCF-style: chrX-152954229-G-A.
Other names: NM_001142805.2:c.200G>A; c.200G>A, p.Gly67Asp (NM_001142805.2); short protein forms G67D.
Identifiers: ClinVar variation 5016674 (VCV005016674.1).
Genomic context (GRCh38, chrX:153,688,774, plus strand): 5'-TGGCCGTGCCGCCGCGCGAGACCTGGACGCGCCAGATGGACTTCATCATGTCGTGCGTGG[G>A]CTTCGCCGTGGGCTTGGGCAACGTGTGGCGCTTCCCCTACCTGTGCTACAAGAACGGCGG-3'
Protein context (NP_005620.1, residues 57-77): RQMDFIMSCV[Gly67Asp]FAVGLGNVWR

ClinVar aggregate classification (germline): Likely pathogenic (3 of 4 stars; one submission).

Conditions:
Creatine transporter deficiency (CCDS1). Also called: Mental retardation , X-linked with seizures, short stature and midface hypoplasia; Mental retardation , X-linked, with creatine transport deficiency; X-linked creatine transporter deficiency; X-linked creatine deficiency syndrome; SLC6A8-Related Creatine Transporter Deficiency; CREATINE TRANSPORTER DEFECT. Identifiers: Orphanet 52503, MedGen C1845862, MONDO:0010305, OMIM 300352.

Submission:

ClinGen Cerebral Creatine Deficiency Syndromes Variant Curation Expert Panel, ClinGen
Classification: Likely pathogenic for Creatine transporter deficiency. Last evaluated: 2026-09-15. Review status: reviewed by expert panel. Criteria: ClinGen CCDS ACMG Specifications SLC6A8 V2.1. Collection method: curation. Allele origin: germline. Inheritance: X-linked inheritance.
Comment: The NM_005629.4:c.200G>A variant in SLC6A8 is predicted to result in the substitution of glycine by aspartate at amino acid 67 (p.Gly67Asp). The highest population minor allele frequency in gnomAD v4.1.0.is 0.00005099 (1/19611 alleles) in the Ashkenazi Jewish population. This is the only allele in gnomAD v4.1.0, presumably in a female heterozygote (overall AF = 0.0000008768). There are no hemizygotes. While the population MAF is higher than the ClinGen CCDS VCEP’s threshold for PM2_Supporting (<0.00002), this is a small, bottleneck population that is not used for filtering allele frequency, there is only a single allele in gnomAD (no hemizygotes), and the overall AF is below the PM2_Supporting threshold. Therefore, PM2_Supporting was applied. The computational predictor REVEL gives a score of 0.819 which is above the threshold of 0.75, evidence that correlates with impact to SLC6A8 function (PP3). In summary, this variant meets the criteria to be classified as likely pathogenic for X-linked creatine transporter deficiency. SLC6A8-specific ACMG/AMP criteria applied, as specified by the ClinGen Cerebral Creatine Deficiency Syndromes Variant Curation Expert Panel (Specifications Version 2.1.0): PP4_Strong, PP3, PM2_Supporting (Classification approved by the ClinGen Cerebral Creatine Deficiency Syndromes Variant Curation Expert Panel on September 15, 2026)